The following is an entry in ClinVar:

NM_032043.3(BRIP1):c.2876C>G (p.Pro959Arg)

Gene: BRIP1 (BRCA1 interacting DNA helicase 1; minus strand). Cytogenetic location: 17q23.2.
Variant type: single nucleotide variant.
Coding change: c.2876C>G on transcript NM_032043.3 (MANE Select); coding-DNA position 2876, C replaced by G.
Protein change: p.Pro959Arg; replaces proline 959 with arginine.
Molecular consequence: missense variant.
Genome position (GRCh38, 1-based): chr17:61,685,865, G>C on the plus strand (C>G on the coding strand, the complement: BRIP1 is on the minus strand). VCF-style: chr17-61685865-G-C. GRCh37 (hg19) VCF-style: chr17-59763226-G-C.
Other names: short protein forms P959R.
Identifiers: ClinVar variation 584965 (VCV000584965.17), dbSNP rs1567731036, ClinGen allele CA400481219.

ClinVar aggregate classification (germline): Uncertain significance. Review status: criteria provided, multiple submitters, no conflicts (2 of 4 stars). 5 submissions from 5 submitters: Uncertain significance (5). Last evaluated 2025-08-09.

Conditions:
Familial ovarian cancer. Identifiers: MedGen C5679802, MONDO:0016248.
Hereditary cancer-predisposing syndrome. Also called: Neoplastic Syndromes, Hereditary; Hereditary Cancer Syndrome; Tumor predisposition; Hereditary neoplastic syndrome. Identifiers: Orphanet 140162, MedGen C0027672, MeSH D009386, MONDO:0015356.
Familial cancer of breast. Also called: hereditary breast carcinoma; BREAST CANCER, FAMILIAL; Hereditary breast cancer. Identifiers: Orphanet 227535, MedGen C0346153, MONDO:0016419, OMIM 114480. Disease mechanism: loss of function.
Fanconi anemia complementation group J. Also called: BRIP1-Related Fanconi Anemia. Identifiers: Orphanet 84, MedGen C1836860, MONDO:0012187, OMIM 609054.

Submissions (5):

Ambry Genetics
Classification: Uncertain significance for Hereditary cancer-predisposing syndrome. Last evaluated: 2025-08-09. Review status: criteria provided, single submitter. Criteria: Ambry Variant Classification Scheme 2023. Collection method: clinical testing. Allele origin: germline.
Comment: The p.P959R variant (also known as c.2876C>G), located in coding exon 18 of the BRIP1 gene, results from a C to G substitution at nucleotide position 2876. The proline at codon 959 is replaced by arginine, an amino acid with dissimilar properties. This amino acid position is conserved. In addition, this alteration is predicted to be tolerated by in silico analysis. Since supporting evidence is limited at this time, the clinical significance of this alteration remains unclear.

Labcorp Genetics (formerly Invitae), Labcorp
Classification: Uncertain significance for Familial cancer of breast; Fanconi anemia complementation group J. Last evaluated: 2025-04-24. Review status: criteria provided, single submitter. Criteria: Invitae Variant Classification Sherloc (09022015). Collection method: clinical testing. Allele origin: germline.
Comment: This sequence change replaces proline, which is neutral and non-polar, with arginine, which is basic and polar, at codon 959 of the BRIP1 protein (p.Pro959Arg). This variant is not present in population databases (gnomAD no frequency). This missense change has been observed in individual(s) with breast cancer (PMID: 35264596). ClinVar contains an entry for this variant (Variation ID: 584965). Invitae Evidence Modeling of protein sequence and biophysical properties (such as structural, functional, and spatial information, amino acid conservation, physicochemical variation, residue mobility, and thermodynamic stability) indicates that this missense variant is not expected to disrupt BRIP1 protein function with a negative predictive value of 95%. In summary, the available evidence is currently insufficient to determine the role of this variant in disease. Therefore, it has been classified as a Variant of Uncertain Significance.

Department of Pathology and Laboratory Medicine, Sinai Health System
Classification: Uncertain significance for familial ovarian cancer. Last evaluated: 2023-04-04. Review status: criteria provided, single submitter. Criteria: ACMG Guidelines, 2015. Collection method: clinical testing. Allele origin: germline. Affected: no.

GeneDx
Classification: Uncertain significance. Last evaluated: 2019-07-09. Review status: criteria provided, single submitter. Criteria: GeneDx Variant Classification Process June 2021. Collection method: clinical testing. Allele origin: germline. Affected: yes.
Comment: Not observed in large population cohorts (Lek et al., 2016); In silico analysis, which includes protein predictors and evolutionary conservation, supports that this variant does not alter protein structure/function; Has not been previously published as pathogenic or benign to our knowledge

Mendelics
Classification: Uncertain significance for Fanconi anemia, complementation group J. Last evaluated: 2018-07-02. Review status: criteria provided, single submitter. Criteria: Mendelics Assertion Criteria 2017. Collection method: clinical testing. Allele origin: unknown.

Literature cited by the submitters: PubMed 35264596 (cited by Labcorp Genetics (formerly Invitae), Labcorp).